The following is an entry in ClinVar:

NM_014855.3(AP5Z1):c.1131C>G (p.His377Gln)

Gene: AP5Z1 (adaptor related protein complex 5 subunit zeta 1; plus strand). Cytogenetic location: 7p22.1.
Variant type: single nucleotide variant.
Coding change: c.1131C>G on transcript NM_014855.3 (MANE Select); coding-DNA position 1131, C replaced by G.
Protein change: p.His377Gln; replaces histidine 377 with glutamine.
Molecular consequence: missense variant. On other transcripts: non-coding transcript variant (1).
Genome position (GRCh38, 1-based): chr7:4,785,683, C>G. VCF-style: chr7-4785683-C-G. GRCh37 (hg19) VCF-style: chr7-4825314-C-G.
Other names: c.663C>G, p.His221Gln (NM_001364858.1); short protein forms H377Q, H221Q.
Identifiers: ClinVar variation 2141186 (VCV002141186.4), dbSNP rs11768079, ClinGen allele CA366661588.

ClinVar aggregate classification (germline): Uncertain significance (1 of 4 stars; one submission).

Conditions:
Hereditary spastic paraplegia 48. Also called: Spastic paraplegia 48; SPASTIC PARAPLEGIA 48, AUTOSOMAL RECESSIVE. Identifiers: Orphanet 306511, MedGen C3150901, MONDO:0013342, OMIM 613647.

gnomAD v4.1: 1 of 1,528,648 alleles (0.000065%); highest among the groups gnomAD compares: Admixed American, 0.0019%; no homozygotes.

Submission:

Labcorp Genetics (formerly Invitae), Labcorp
Classification: Uncertain significance for Hereditary spastic paraplegia 48. Last evaluated: 2025-08-18. Review status: criteria provided, single submitter. Criteria: Invitae Variant Classification Sherloc (09022015). Collection method: clinical testing. Allele origin: germline.
Comment: This sequence change replaces histidine, which is basic and polar, with glutamine, which is neutral and polar, at codon 377 of the AP5Z1 protein (p.His377Gln). This variant is not present in population databases (gnomAD no frequency). This variant has not been reported in the literature in individuals affected with AP5Z1-related conditions. ClinVar contains an entry for this variant (Variation ID: 2141186). An algorithm developed to predict the effect of missense changes on protein structure and function (PolyPhen-2) suggests that this variant is likely to be disruptive. In summary, the available evidence is currently insufficient to determine the role of this variant in disease. Therefore, it has been classified as a Variant of Uncertain Significance.